The following is an entry in ClinVar:

ClinVar aggregate classification (germline): Conflicting classifications of pathogenicity. Review status: criteria provided, conflicting classifications (1 of 4 stars). 4 submissions from 4 submitters: Uncertain significance (1); Likely benign (3). Last evaluated 2025-12-31.

Conditions:
YARS1-related disorder. Also called: YARS1-related condition.
Inborn genetic diseases. Identifiers: MedGen C0950123, MeSH D030342.
Charcot-Marie-Tooth disease dominant intermediate C (CMTDIC). Also called: CHARCOT-MARIE-TOOTH NEUROPATHY, DOMINANT INTERMEDIATE C. Identifiers: Orphanet 100045, MedGen C1842237, MONDO:0012012, OMIM 608323.

Allele frequency attached by ClinVar (database versions not stated): gnomAD exomes 0.00003 and 0.00006; gnomAD 0.00004 and 0.00005; TOPMed 0.00006; ExAC 0.00007.
gnomAD v4.1: 26 of 1,614,090 alleles (0.0016%); highest among the groups gnomAD compares: Admixed American, 0.033%; no homozygotes.

Submissions (4):

PreventionGenetics, part of Exact Sciences
Classification: Likely benign for YARS1-related condition. Last evaluated: 2025-12-31. Review status: criteria provided, single submitter. Criteria: ACMG Guidelines, 2015. Collection method: clinical testing. Allele origin: germline.
Comment: This variant is classified as likely benign based on ACMG/AMP sequence variant interpretation guidelines (Richards et al. 2015 PMID: 25741868, with internal and published modifications).

Labcorp Genetics (formerly Invitae), Labcorp
Classification: Likely benign for Charcot-Marie-Tooth disease dominant intermediate C. Last evaluated: 2025-12-20. Review status: criteria provided, single submitter. Criteria: Invitae Variant Classification Sherloc (09022015). Collection method: clinical testing. Allele origin: germline.

Ambry Genetics
Classification: Likely benign for Inborn genetic diseases. Last evaluated: 2019-07-11. Review status: criteria provided, single submitter. Criteria: Ambry Variant Classification Scheme 2023. Collection method: clinical testing. Allele origin: germline.

ARUP Laboratories, Molecular Genetics and Genomics, ARUP Laboratories
Classification: Uncertain significance. Last evaluated: 2017-07-06. Review status: criteria provided, single submitter. Criteria: ARUP Molecular Germline Variant Investigation Process. Collection method: clinical testing. Allele origin: germline.
Comment: The c.483G>C variant (rs780528629) has not been reported in the medical literature, is not listed in gene-specific variant databases, nor has it been previously identified in our laboratory. It is listed in the Genome Aggregation Database (gnomAD) browser with a frequency in Latino populations of 0.042% (identified in 14 out of 33,582 chromosomes). This variant does not alter the amino acid sequence of YARS protein, although computational splicing algorithms suggest this variant may influence YARS mRNA processing (Alamut software v2.9). However, in the absence of functional data, such predictions are not sufficient to assign pathogenicity. Therefore, based on the available information, the clinical significance of the c.483G>C variant cannot be determined with certainty.

NM_003680.4(YARS1):c.483G>C (p.Leu161=)

Gene: YARS1 (tyrosyl-tRNA synthetase 1; minus strand). Cytogenetic location: 1p35.1.
Variant type: single nucleotide variant.
Coding change: c.483G>C on transcript NM_003680.4 (MANE Select); coding-DNA position 483, G replaced by C.
Protein change: p.Leu161=; no amino-acid change (leucine 161 retained).
Molecular consequence: synonymous variant.
Genome position (GRCh38, 1-based): chr1:32,806,509, C>G on the plus strand (G>C on the coding strand, the complement: YARS1 is on the minus strand). VCF-style: chr1-32806509-C-G. GRCh37 (hg19) VCF-style: chr1-33272110-C-G.
Identifiers: ClinVar variation 464876 (VCV000464876.22), dbSNP rs780528629, ClinGen allele CA745197.